The following is an entry in ClinVar:

NM_015910.7(WDPCP):c.1322T>C (p.Met441Thr)

Gene: WDPCP (WD repeat containing planar cell polarity effector; minus strand). Cytogenetic location: 2p15.
Variant type: single nucleotide variant.
Coding change: c.1322T>C on transcript NM_015910.7 (MANE Select); coding-DNA position 1322, T replaced by C.
Protein change: p.Met441Thr; replaces methionine 441 with threonine.
Molecular consequence: missense variant. On other transcripts: non-coding transcript variant (3).
Genome position (GRCh38, 1-based): chr2:63,404,161, A>G on the plus strand (T>C on the coding strand, the complement: WDPCP is on the minus strand). VCF-style: chr2-63404161-A-G. GRCh37 (hg19) VCF-style: chr2-63631296-A-G.
Other names: c.845T>C, p.Met282Thr (NM_001042692.3); c.1250T>C, p.Met417Thr (NM_001354044.2); c.1322T>C, p.Met441Thr (NM_001354045.2); short protein forms M441T, M282T, M417T.
Identifiers: ClinVar variation 336764 (VCV000336764.10), dbSNP rs886056224, ClinGen allele CA10615961.
Genomic context (GRCh38, chr2:63,404,161, plus strand): 5'-AGATCATAGATATCACTACCTTCACCCTTCTGAGAAACAACCTGAGGAGCTATCCATTGC[A>G]TTTGAACAAGACTGCTGGAGGCATCAAATAATTTACTGAATTGCAGAGTCTCCCTGGGTA-3'
Protein context (NP_056994.3, residues 431-451): LFDASSSLVQ[Met441Thr]QWIAPQVVSQ

ClinVar aggregate classification (germline): Uncertain significance. Review status: criteria provided, multiple submitters, no conflicts (2 of 4 stars). 2 submissions from 2 submitters: Uncertain significance (2). Last evaluated 2024-02-24.

Conditions:
Bardet-Biedl syndrome (BBS). Identifiers: Orphanet 110, MedGen C0752166, MONDO:0015229.
Bardet-Biedl syndrome 15 (BBS15). Identifiers: Orphanet 110, MedGen C3150127, MONDO:0014443, OMIM 615992.

Submissions (2):

Labcorp Genetics (formerly Invitae), Labcorp
Classification: Uncertain significance for Bardet-Biedl syndrome. Last evaluated: 2024-02-24. Review status: criteria provided, single submitter. Criteria: Invitae Variant Classification Sherloc (09022015). Collection method: clinical testing. Allele origin: germline.
Comment: This sequence change replaces methionine, which is neutral and non-polar, with threonine, which is neutral and polar, at codon 441 of the WDPCP protein (p.Met441Thr). This variant is not present in population databases (gnomAD no frequency). This variant has not been reported in the literature in individuals affected with WDPCP-related conditions. ClinVar contains an entry for this variant (Variation ID: 336764). Advanced modeling of protein sequence and biophysical properties (such as structural, functional, and spatial information, amino acid conservation, physicochemical variation, residue mobility, and thermodynamic stability) performed at Invitae indicates that this missense variant is not expected to disrupt WDPCP protein function with a negative predictive value of 80%. In summary, the available evidence is currently insufficient to determine the role of this variant in disease. Therefore, it has been classified as a Variant of Uncertain Significance.

Illumina Laboratory Services, Illumina
Classification: Uncertain significance for Bardet-Biedl syndrome 15. Last evaluated: 2018-01-13. Review status: criteria provided, single submitter. Criteria: ICSL Variant Classification Criteria 13 December 2019. Collection method: clinical testing. Allele origin: germline.